The following is an entry in ClinVar:

ClinVar aggregate classification (germline): Likely benign. Review status: criteria provided, multiple submitters, no conflicts (2 of 4 stars). 3 submissions from 3 submitters: Likely benign (3). Last evaluated 2023-05-24.

Conditions:
Primary dilated cardiomyopathy (DCM). Also called: Dilated Cardiomyopathy. Identifiers: Orphanet 217604, MedGen C0007193, MeSH D002311, MONDO:0005021, HP:0001644. Inheritance: Various modes of inheritance.

gnomAD v4.1: 3 of 1,613,886 alleles (0.00019%); highest among the groups gnomAD compares: Non-Finnish European, 0.00025%; no homozygotes.

Submissions (3):

Labcorp Genetics (formerly Invitae), Labcorp
Classification: Likely benign for Primary dilated cardiomyopathy. Last evaluated: 2023-05-24. Review status: criteria provided, single submitter. Criteria: Invitae Variant Classification Sherloc (09022015). Collection method: clinical testing. Allele origin: germline.

GeneDx
Classification: Likely benign. Last evaluated: 2016-10-06. Review status: criteria provided, single submitter. Criteria: GeneDx Variant Classification (06012015). Collection method: clinical testing. Allele origin: germline. Affected: yes.
Comment: This variant is considered likely benign or benign based on one or more of the following criteria: it is a conservative change, it occurs at a poorly conserved position in the protein, it is predicted to be benign by multiple in silico algorithms, and/or has population frequency not consistent with disease.

Laboratory for Molecular Medicine, Mass General Brigham Personalized Medicine
Classification: Likely benign. Last evaluated: 2015-05-27. Review status: criteria provided, single submitter. Criteria: LMM Criteria. Collection method: clinical testing. Allele origin: germline. Observed: 2 variant alleles.
Comment: c.2055+7C>A in intron 20 of NEBL: This variant is not expected to have clinical significance because it is not located within the conserved splice consensus seq uence.

NM_006393.3(NEBL):c.2055+7C>A

Gene: NEBL (nebulette; minus strand). Cytogenetic location: 10p12.31.
Variant type: single nucleotide variant.
Coding change: c.2055+7C>A on transcript NM_006393.3 (MANE Select); 7 bases into the intron after coding-DNA position 2055, C replaced by A.
Molecular consequence: intron variant.
Genome position (GRCh38, 1-based): chr10:20,819,417, G>T on the plus strand (C>A on the coding strand, the complement: NEBL is on the minus strand). VCF-style: chr10-20819417-G-T. GRCh37 (hg19) VCF-style: chr10-21108346-G-T.
Other names: c.250-6477C>A (NM_001377326.1, NM_001377327.1, NM_001377328.1); c.358-6477C>A (NM_213569.2, NM_001173484.2, NM_001377322.1); c.301-6477C>A (NM_001377324.1); c.292-6477C>A (NM_001377325.1); c.310-6477C>A (NM_001377323.1).
Identifiers: ClinVar variation 227733 (VCV000227733.8), dbSNP rs368793318, ClinGen allele CA10576782.